The following is an entry in ClinVar:

ClinVar aggregate classification (germline): not provided (0 of 4 stars; one submission).

Conditions:
Normal pregnancy. Identifiers: MedGen C0232989.

Submission:

Institute of Molecular and Cell Biology, University of Tartu
No classification provided. Condition: Normal pregnancy. Review status: no classification provided. Collection method: case-control. Allele origin: unknown. Affected: yes. Study: Kasak2014.
Comment: The study aimed to determine the contribution of copy number variants in the genetic etiology of normal and complicated pregnancies. The samples represented (i) maternal blood DNA drawn from healthy pregnant women during 1st or 2nd trimester and (ii) maternal and paternal blood DNA drawn at term pregnancy cases representing normal and complicated gestations (severe preeclampsia, PE; gestational diabetes, GD; small-for-gestational age newborn, SGA; large-for-gestational age newborn, LGA). We performed CNV calling based on genome-wide genotyping dataset (Illumina HumanOmniExpress-24-v1 BeadChip) by applying three algorithms, QuantiSNP, GADA (Genome Alteration Detection Algorithm) and CNstream in parallel. The acquired CNV calls were merged with HD-CNV (Hotspot Detector for Copy Number Variants) program and only the CNVs predicted by at least two programs, were considered in subsequent analysis.

Literature cited by the submitters: PubMed 25666259.

NC_000013.10:g.90387429_90490883dup

Variant type: Duplication.
Identifiers: ClinVar variation 157292 (VCV000157292.2).